The following is an entry in ClinVar:

NM_019109.5(ALG1):c.37C>G (p.Leu13Val)

Genes: ALG1 (ALG1 chitobiosyldiphosphodolichol beta-mannosyltransferase; plus strand), LOC130058383 (ATAC-STARR-seq lymphoblastoid active region 10348; plus strand). Cytogenetic location: 16p13.3.
Variant type: single nucleotide variant.
Coding change: c.37C>G on transcript NM_019109.5 (MANE Select); coding-DNA position 37, C replaced by G.
Protein change: p.Leu13Val; replaces leucine 13 with valine.
Molecular consequence: missense variant.
Genome position (GRCh38, 1-based): chr16:5,071,886, C>G. VCF-style: chr16-5071886-C-G. GRCh37 (hg19) VCF-style: chr16-5121887-C-G.
Other names: short protein forms L13V.
Identifiers: ClinVar variation 1408336 (VCV001408336.3), dbSNP rs758104063, ClinGen allele CA7889649.
Genomic context (GRCh38, chr16:5,071,886, plus strand): 5'-CGTGACTGCTGCGGGCCAGCCAAGATGGCGGCCTCATGCTTGGTCCTGCTGGCGCTGTGT[C>G]TGCTGCTGCCGCTGCTGCTGCTGGGAGGATGGAAGCGCTGGCGCCGGGGGCGGGCGGCCC-3'
Protein context (NP_061982.3, residues 3-23): ASCLVLLALC[Leu13Val]LLPLLLLGGW

ClinVar aggregate classification (germline): Uncertain significance (1 of 4 stars; one submission).

Conditions:
ALG1-congenital disorder of glycosylation. Also called: ALG1-CDG; CONGENITAL DISORDER OF GLYCOSYLATION, TYPE Ik; CDG Ik. Identifiers: Orphanet 79327, MedGen C2931005, MONDO:0012052, OMIM 608540.

Allele frequency attached by ClinVar (database versions not stated): gnomAD 0.00007.

Submission:

Labcorp Genetics (formerly Invitae), Labcorp
Classification: Uncertain significance for ALG1-congenital disorder of glycosylation. Last evaluated: 2021-10-13. Review status: criteria provided, single submitter. Criteria: Invitae Variant Classification Sherloc (09022015). Collection method: clinical testing. Allele origin: germline.
Comment: This sequence change replaces leucine with valine at codon 13 of the ALG1 protein (p.Leu13Val). The leucine residue is weakly conserved and there is a small physicochemical difference between leucine and valine. This variant is present in population databases (rs758104063, ExAC 0.02%). This variant has not been reported in the literature in individuals affected with ALG1-related conditions. Advanced modeling of protein sequence and biophysical properties (such as structural, functional, and spatial information, amino acid conservation, physicochemical variation, residue mobility, and thermodynamic stability) performed at Invitae indicates that this missense variant is not expected to disrupt ALG1 protein function. In summary, the available evidence is currently insufficient to determine the role of this variant in disease. Therefore, it has been classified as a Variant of Uncertain Significance.